The following is an entry in ClinVar:

ClinVar aggregate classification (germline): Uncertain significance (1 of 4 stars; one submission).

Conditions:
Left ventricular noncompaction 1 (LVNC1). Also called: LEFT VENTRICULAR NONCOMPACTION 1 WITH OR WITHOUT CONGENITAL HEART DEFECTS. Identifiers: Orphanet 54260, MedGen C1858725, MONDO:0011403, OMIM 604169.

Allele frequency attached by ClinVar (database versions not stated): ExAC 0.00006; gnomAD exomes 0.00006; 1000 Genomes Project 30x 0.00016.
gnomAD v4.1: 39 of 1,613,782 alleles (0.0024%); highest among the groups gnomAD compares: South Asian, 0.042%; no homozygotes.

Submission:

Labcorp Genetics (formerly Invitae), Labcorp
Classification: Uncertain significance for Left ventricular noncompaction 1. Last evaluated: 2026-01-07. Review status: criteria provided, single submitter. Criteria: Invitae Variant Classification Sherloc (09022015). Collection method: clinical testing. Allele origin: germline.
Comment: This sequence change replaces proline, which is neutral and non-polar, with serine, which is neutral and polar, at codon 368 of the DTNA protein (p.Pro368Ser). This variant is present in population databases (rs768198248, gnomAD 0.05%), and has an allele count higher than expected for a pathogenic variant. This variant has not been reported in the literature in individuals affected with DTNA-related conditions. ClinVar contains an entry for this variant (Variation ID: 411864). An algorithm developed to predict the effect of missense changes on protein structure and function (PolyPhen-2) suggests that this variant is likely to be tolerated. In summary, the available evidence is currently insufficient to determine the role of this variant in disease. Therefore, it has been classified as a Variant of Uncertain Significance.

NM_001386795.1(DTNA):c.1183C>T (p.Pro395Ser)

Gene: DTNA (dystrobrevin alpha; plus strand). Cytogenetic location: 18q12.1.
Variant type: single nucleotide variant.
Coding change: c.1183C>T on transcript NM_001386795.1 (MANE Select); coding-DNA position 1183, C replaced by T.
Protein change: p.Pro395Ser; replaces proline 395 with serine.
Molecular consequence: missense variant. On other transcripts: intron variant (32).
Genome position (GRCh38, 1-based): chr18:34,838,101, C>T. VCF-style: chr18-34838101-C-T. GRCh37 (hg19) VCF-style: chr18-32418065-C-T.
Other names: c.229C>T, p.Pro77Ser (NM_001198942.1); c.1183C>T, p.Pro395Ser (NM_001386788.1); c.1102C>T, p.Pro368Ser (NM_001390.5, NM_001391.5); c.1093C>T, p.Pro365Ser (NM_032978.7); c.139C>T, p.Pro47Ser (NM_032980.4); c.1095-10195C>T (NM_032975.4, NM_001386761.1, NM_001386762.1 and 1 more transcripts); c.1175+8612C>T (NM_001386754.1, NM_001386755.1, NM_001386760.1 and 5 more transcripts); c.1086-10195C>T (NM_001386763.1, NM_001386764.1, NM_001386768.1 and 13 more transcripts); and 4 more; short protein forms P368S, P365S, P77S, P47S, P395S.
Identifiers: ClinVar variation 411864 (VCV000411864.9), dbSNP rs768198248, ClinGen allele CA8935624.